The following is an entry in ClinVar:

ClinVar aggregate classification (germline): Uncertain significance (3 of 4 stars; one submission).

Conditions:
Open-angle glaucoma. Identifiers: MedGen C0017612, MONDO:0005338, HP:0012108.

Submission:

ClinGen Glaucoma Variant Curation Expert Panel
Classification: Uncertain significance for Open-angle glaucoma. Last evaluated: 2026-01-12. Review status: reviewed by expert panel. Criteria: ClinGen Glaucoma ACMG Specifications V2.0.0 Approved. Collection method: curation. Allele origin: germline. Inheritance: Autosomal dominant inheritance.
Comment: The c.216T>G variant in MYOC is a missense variant predicted to cause substitution of Histidine by Glutamine at amino acid 72 (p.His72Gln). This variant was not found in any genetic ancestry group of gnomAD (v4.1.0), meeting the ≤ 0.0001 threshold set for PM2_Supporting in a genetic ancestry group of at least 10,000 alleles. The REVEL score = 0.111, which was within the 0.017-0.183 range for BP4_Moderate, suggesting that the variant does not impact MYOC function. There was no functional evidence predicting a damaging or benign impact of this variant on MYOC function. Only 1 proband with primary open angle glaucoma had been reported (PMID: 32476818), not meeting the ≥ 2 probands threshold required to meet PS4_Supporting. In summary, this variant met the criteria to receive a score of -1 and to be classified as a variant of uncertain significance (uncertain significance classification range -1 to 5, adapted from PMID: 32720330) for primary open angle glaucoma based on the ACMG/AMP criteria met, as specified by the ClinGen Glaucoma VCEP (v2.0.0, 5 Dec 2024): BP4_Moderate, PM2_Supporting

NM_000261.2(MYOC):c.216T>G (p.His72Gln)

Gene: MYOC (myocilin; minus strand). Cytogenetic location: 1q24.3.
Variant type: single nucleotide variant.
Coding change: c.216T>G on transcript NM_000261.2 (MANE Select); coding-DNA position 216, T replaced by G.
Protein change: p.His72Gln; replaces histidine 72 with glutamine.
Molecular consequence: missense variant.
Genome position (GRCh38, 1-based): chr1:171,652,396, A>C on the plus strand (T>G on the coding strand, the complement: MYOC is on the minus strand). VCF-style: chr1-171652396-A-C. GRCh37 (hg19) VCF-style: chr1-171621536-A-C.
Other names: NM_000261.2:c.216T>G; short protein forms H72Q.
Identifiers: ClinVar variation 2575094 (VCV002575094.2), dbSNP rs2527873947, ClinGen allele CA343719128.